The following is an entry in ClinVar:

NM_000548.5(TSC2):c.4281T>G (p.Ser1427Arg)

Gene: TSC2 (TSC complex subunit 2; plus strand). Cytogenetic location: 16p13.3.
Variant type: single nucleotide variant.
Coding change: c.4281T>G on transcript NM_000548.5 (MANE Select); coding-DNA position 4281, T replaced by G.
Protein change: p.Ser1427Arg; replaces serine 1427 with arginine.
Molecular consequence: missense variant. On other transcripts: non-coding transcript variant (5).
Genome position (GRCh38, 1-based): chr16:2,084,503, T>G. VCF-style: chr16-2084503-T-G. GRCh37 (hg19) VCF-style: chr16-2134504-T-G.
Other names: c.2739T>G, p.Ser913Arg (NM_001406693.1, NM_001406694.1, NM_001406692.1); c.2736T>G, p.Ser912Arg (NM_001406695.1, NM_001406696.1, NM_001406697.1); c.2478T>G, p.Ser826Arg (NM_001406698.1); c.4152T>G, p.Ser1384Arg (NM_021055.3, NM_001370405.1); c.3612T>G, p.Ser1204Arg (NM_001406683.1, NM_001406682.1); c.3609T>G, p.Ser1203Arg (NM_001406684.1); c.3483T>G, p.Ser1161Arg (NM_001406685.1, NM_001406686.1); c.3480T>G, p.Ser1160Arg (NM_001406687.1, NM_001406688.1); and 26 more; short protein forms S1160R, S1203R, S1207R, S1311R, S1312R, S1354R, S1356R, S1361R.
Identifiers: ClinVar variation 5031395 (VCV005031395.1).

ClinVar aggregate classification (germline): Uncertain significance (1 of 4 stars; one submission).

Conditions:
Hereditary cancer-predisposing syndrome. Also called: Neoplastic Syndromes, Hereditary; Tumor predisposition; Hereditary neoplastic syndrome; Hereditary Cancer Syndrome. Identifiers: Orphanet 140162, MedGen C0027672, MeSH D009386, MONDO:0015356.

Submission:

Ambry Genetics
Classification: Uncertain significance for Hereditary cancer-predisposing syndrome. Last evaluated: 2026-08-24. Review status: criteria provided, single submitter. Criteria: Ambry Variant Classification Scheme 2023. Collection method: clinical testing. Allele origin: germline.
Comment: The p.S1427R variant (also known as c.4281T>G), located in coding exon 33 of the TSC2 gene, results from a T to G substitution at nucleotide position 4281. The serine at codon 1427 is replaced by arginine, an amino acid with dissimilar properties. This amino acid position is conserved. In addition, the in silico prediction for this alteration is inconclusive. Based on the available evidence, the clinical significance of this variant remains unclear.